The following is an entry in ClinVar:

ClinVar aggregate classification (germline): Benign (1 of 4 stars; one submission).

Allele frequency attached by ClinVar (database versions not stated): gnomAD 0.03402 and 0.03636; TOPMed 0.03964; 1000 Genomes Project 0.03994; 1000 Genomes Project 30x 0.04294.
gnomAD v4.1: 5,134 of 151,998 alleles (3.4%); highest among the groups gnomAD compares: African/African-American, 12%; 271 homozygotes.

Submission:

GeneDx
Classification: Benign. Last evaluated: 2018-06-19. Review status: criteria provided, single submitter. Criteria: GeneDx Variant Classification (06012015). Collection method: clinical testing. Allele origin: germline. Affected: yes.
Comment: This variant is considered likely benign or benign based on one or more of the following criteria: it is a conservative change, it occurs at a poorly conserved position in the protein, it is predicted to be benign by multiple in silico algorithms, and/or has population frequency not consistent with disease.

NM_213599.3(ANO5):c.139-226T>G

Gene: ANO5 (anoctamin 5; plus strand). Cytogenetic location: 11p14.3.
Variant type: single nucleotide variant.
Coding change: c.139-226T>G on transcript NM_213599.3 (MANE Select); 226 bases into the intron before coding-DNA position 139, T replaced by G.
Molecular consequence: intron variant.
Genome position (GRCh38, 1-based): chr11:22,218,020, T>G. VCF-style: chr11-22218020-T-G. GRCh37 (hg19) VCF-style: chr11-22239566-T-G.
Other names: c.136-226T>G (NM_001142649.2).
Identifiers: ClinVar variation 678381 (VCV000678381.1), dbSNP rs116738367, ClinGen allele CA218773035.